The following is an entry in ClinVar:

NM_138694.4(PKHD1):c.1985A>G (p.Asp662Gly)

Gene: PKHD1 (PKHD1 ciliary IPT domain containing fibrocystin/polyductin; minus strand). Cytogenetic location: 6p12.2.
Variant type: single nucleotide variant.
Coding change: c.1985A>G on transcript NM_138694.4 (MANE Select); coding-DNA position 1985, A replaced by G.
Protein change: p.Asp662Gly; replaces aspartic acid 662 with glycine.
Molecular consequence: missense variant.
Genome position (GRCh38, 1-based): chr6:52,053,231, T>C on the plus strand (A>G on the coding strand, the complement: PKHD1 is on the minus strand). VCF-style: chr6-52053231-T-C. GRCh37 (hg19) VCF-style: chr6-51918029-T-C.
Other names: c.1985A>G, p.Asp662Gly (NM_170724.3); short protein forms D662G.
Identifiers: ClinVar variation 4527136 (VCV004527136.1).

ClinVar aggregate classification (germline): Uncertain significance (1 of 4 stars; one submission).

gnomAD v4.1: 1 of 1,613,984 alleles (0.000062%); highest among the groups gnomAD compares: Non-Finnish European, 0.000085%; no homozygotes.

Submission:

GeneDx
Classification: Uncertain significance. Last evaluated: 2025-04-21. Review status: criteria provided, single submitter. Criteria: GeneDx Variant Classification Process June 2021. Collection method: clinical testing. Allele origin: germline. Affected: yes.
Comment: Not observed at significant frequency in large population cohorts (gnomAD); In silico analysis supports that this missense variant has a deleterious effect on protein structure/function; Has not been previously published as pathogenic or benign to our knowledge